The following is an entry in ClinVar:

ClinVar aggregate classification (germline): Uncertain significance (1 of 4 stars; one submission).

Conditions:
Hereditary cancer-predisposing syndrome. Also called: Neoplastic Syndromes, Hereditary; Tumor predisposition; Hereditary Cancer Syndrome; Hereditary neoplastic syndrome. Identifiers: Orphanet 140162, MedGen C0027672, MeSH D009386, MONDO:0015356.

Submission:

Ambry Genetics
Classification: Uncertain significance for Hereditary cancer-predisposing syndrome. Last evaluated: 2026-03-31. Review status: criteria provided, single submitter. Criteria: Ambry Variant Classification Scheme 2023. Collection method: clinical testing. Allele origin: germline.
Comment: The p.T120A variant (also known as c.358A>G), located in coding exon 2 of the PHOX2B gene, results from an A to G substitution at nucleotide position 358. The threonine at codon 120 is replaced by alanine, an amino acid with similar properties. This amino acid position is conserved. In addition, this alteration is predicted to be deleterious by in silico analysis. Based on the available evidence, the clinical significance of this variant remains unclear.

NM_003924.4(PHOX2B):c.358A>G (p.Thr120Ala)

Gene: PHOX2B (paired like homeobox 2B; minus strand). Cytogenetic location: 4p13.
Variant type: single nucleotide variant.
Coding change: c.358A>G on transcript NM_003924.4 (MANE Select); coding-DNA position 358, A replaced by G.
Protein change: p.Thr120Ala; replaces threonine 120 with alanine.
Molecular consequence: missense variant.
Genome position (GRCh38, 1-based): chr4:41,747,420, T>C on the plus strand (A>G on the coding strand, the complement: PHOX2B is on the minus strand). VCF-style: chr4-41747420-T-C. GRCh37 (hg19) VCF-style: chr4-41749437-T-C.
Other names: short protein forms T120A.
Identifiers: ClinVar variation 4861807 (VCV004861807.1).